The following is an entry in ClinVar:

NM_004963.4(GUCY2C):c.886G>C (p.Val296Leu)

Genes: GUCY2C (guanylate cyclase 2C; minus strand), GUCY2C-AS1 (GUCY2C antisense RNA 1; plus strand). Cytogenetic location: 12p12.3.
Variant type: single nucleotide variant.
Coding change: c.886G>C on transcript NM_004963.4 (MANE Select); coding-DNA position 886, G replaced by C.
Protein change: p.Val296Leu; replaces valine 296 with leucine.
Molecular consequence: missense variant.
Genome position (GRCh38, 1-based): chr12:14,676,916, C>G on the plus strand (G>C on the coding strand, the complement: GUCY2C is on the minus strand). VCF-style: chr12-14676916-C-G. GRCh37 (hg19) VCF-style: chr12-14829850-C-G.
Other names: c.886G>C (NM_004963.3); short protein forms V296L.
Identifiers: ClinVar variation 2712115 (VCV002712115.4), dbSNP rs1948245093, ClinGen allele CA384003477.

ClinVar aggregate classification (germline): Uncertain significance. Review status: criteria provided, multiple submitters, no conflicts (2 of 4 stars). 2 submissions from 2 submitters: Uncertain significance (2). Last evaluated 2024-09-01.

Conditions:
Inborn genetic diseases. Identifiers: MedGen C0950123, MeSH D030342.

Submissions (2):

Ambry Genetics
Classification: Uncertain significance for Inborn genetic diseases. Last evaluated: 2024-09-01. Review status: criteria provided, single submitter. Criteria: Ambry Variant Classification Scheme 2023. Collection method: clinical testing. Allele origin: germline.

Labcorp Genetics (formerly Invitae), Labcorp
Classification: Uncertain significance. Last evaluated: 2023-10-02. Review status: criteria provided, single submitter. Criteria: Invitae Variant Classification Sherloc (09022015). Collection method: clinical testing. Allele origin: germline.
Comment: This sequence change replaces valine, which is neutral and non-polar, with leucine, which is neutral and non-polar, at codon 296 of the GUCY2C protein (p.Val296Leu). This variant is not present in population databases (gnomAD no frequency). This variant has not been reported in the literature in individuals affected with GUCY2C-related conditions. Advanced modeling of protein sequence and biophysical properties (such as structural, functional, and spatial information, amino acid conservation, physicochemical variation, residue mobility, and thermodynamic stability) performed at Invitae indicates that this missense variant is not expected to disrupt GUCY2C protein function. In summary, the available evidence is currently insufficient to determine the role of this variant in disease. Therefore, it has been classified as a Variant of Uncertain Significance.